The following is an entry in ClinVar:

NM_032802.4(SPPL2A):c.14G>C (p.Arg5Pro)

Genes: SPPL2A (signal peptide peptidase like 2A; minus strand), LOC130057047 (ATAC-STARR-seq lymphoblastoid silent region 6430; plus strand). Cytogenetic location: 15q21.2.
Variant type: single nucleotide variant.
Coding change: c.14G>C on transcript NM_032802.4 (MANE Select); coding-DNA position 14, G replaced by C.
Protein change: p.Arg5Pro; replaces arginine 5 with proline.
Molecular consequence: missense variant.
Genome position (GRCh38, 1-based): chr15:50,765,520, C>G on the plus strand (G>C on the coding strand, the complement: SPPL2A is on the minus strand). VCF-style: chr15-50765520-C-G. GRCh37 (hg19) VCF-style: chr15-51057717-C-G.
Other names: short protein forms R5P.
Identifiers: ClinVar variation 1394120 (VCV001394120.6), dbSNP rs971558655, ClinGen allele CA392462416.

ClinVar aggregate classification (germline): Uncertain significance (1 of 4 stars; one submission).

Allele frequency attached by ClinVar (database versions not stated): TOPMed 0.00001.
gnomAD v4.1: 16 of 1,498,562 alleles (0.0011%); highest among the groups gnomAD compares: Non-Finnish European, 0.0013%; no homozygotes.

Submission:

Labcorp Genetics (formerly Invitae), Labcorp
Classification: Uncertain significance. Last evaluated: 2023-04-16. Review status: criteria provided, single submitter. Criteria: Invitae Variant Classification Sherloc (09022015). Collection method: clinical testing. Allele origin: germline.
Comment: ClinVar contains an entry for this variant (Variation ID: 1394120). This variant has not been reported in the literature in individuals affected with SPPL2A-related conditions. This variant is present in population databases (no rsID available, gnomAD 0.003%). This sequence change replaces arginine, which is basic and polar, with proline, which is neutral and non-polar, at codon 5 of the SPPL2A protein (p.Arg5Pro). Algorithms developed to predict the effect of missense changes on protein structure and function output the following: SIFT: "Not Available"; PolyPhen-2: "Benign"; Align-GVGD: "Not Available". The proline amino acid residue is found in multiple mammalian species, which suggests that this missense change does not adversely affect protein function. In summary, the available evidence is currently insufficient to determine the role of this variant in disease. Therefore, it has been classified as a Variant of Uncertain Significance.